The following is an entry in ClinVar:

NM_052844.4(DYNC2I2):c.1212C>T (p.His404=)

Gene: DYNC2I2 (dynein 2 intermediate chain 2; minus strand). Cytogenetic location: 9q34.11.
Variant type: single nucleotide variant.
Coding change: c.1212C>T on transcript NM_052844.4 (MANE Select); coding-DNA position 1212, C replaced by T.
Protein change: p.His404=; no amino-acid change (histidine 404 retained).
Molecular consequence: synonymous variant.
Genome position (GRCh38, 1-based): chr9:128,634,691, G>A on the plus strand (C>T on the coding strand, the complement: DYNC2I2 is on the minus strand). VCF-style: chr9-128634691-G-A. GRCh37 (hg19) VCF-style: chr9-131396970-G-A.
Identifiers: ClinVar variation 1985517 (VCV001985517.4), dbSNP rs1860335179, ClinGen allele CA467305166.

ClinVar aggregate classification (germline): Uncertain significance (1 of 4 stars; one submission).

Conditions:
Short-rib thoracic dysplasia 11 with or without polydactyly (SRTD11). Also called: SHORT-RIB THORACIC DYSPLASIA 11 WITHOUT POLYDACTYLY. Identifiers: Orphanet 474, Orphanet 93271, MedGen C3810200, MONDO:0014287, OMIM 615633.

Allele frequency attached by ClinVar (database versions not stated): TOPMed below 0.00001.

Submission:

Labcorp Genetics (formerly Invitae), Labcorp
Classification: Uncertain significance for Short-rib thoracic dysplasia 11 with or without polydactyly. Last evaluated: 2022-07-13. Review status: criteria provided, single submitter. Criteria: Invitae Variant Classification Sherloc (09022015). Collection method: clinical testing. Allele origin: germline.
Comment: This variant has not been reported in the literature in individuals affected with WDR34-related conditions. This sequence change affects codon 404 of the WDR34 mRNA. It is a 'silent' change, meaning that it does not change the encoded amino acid sequence of the WDR34 protein. This variant is not present in population databases (gnomAD no frequency). Algorithms developed to predict the effect of sequence changes on RNA splicing suggest that this variant may create or strengthen a splice site. In summary, the available evidence is currently insufficient to determine the role of this variant in disease. Therefore, it has been classified as a Variant of Uncertain Significance.